The following is an entry in ClinVar:

ClinVar aggregate classification (germline): Likely benign (1 of 4 stars; one submission).

gnomAD v4.1: 1 of 1,280,774 alleles (0.000078%); highest among the groups gnomAD compares: Non-Finnish European, 0.00011%; no homozygotes.

Submission:

CeGaT Center for Human Genetics Tuebingen
Classification: Likely benign. Last evaluated: 2025-06-01. Review status: criteria provided, single submitter. Criteria: CeGaT Center For Human Genetics Tuebingen Variant Classification Criteria Version 2. Collection method: clinical testing. Allele origin: germline. Affected: yes. Observed: 2 variant alleles.
Comment: HLA-DRB5: BP4, BP7

NM_002125.4(HLA-DRB5):c.42G>A (p.Lys14=)

Gene: HLA-DRB5 (major histocompatibility complex, class II, DR beta 5; minus strand). Cytogenetic location: 6p21.32.
Variant type: single nucleotide variant.
Coding change: c.42G>A on transcript NM_002125.4 (MANE Select); coding-DNA position 42, G replaced by A.
Protein change: p.Lys14=; no amino-acid change (lysine 14 retained).
Molecular consequence: synonymous variant.
Genome position (GRCh38, 1-based): chr6:32,530,183, C>T on the plus strand (G>A on the coding strand, the complement: HLA-DRB5 is on the minus strand). VCF-style: chr6-32530183-C-T. GRCh37 (hg19) VCF-style: chr6-32497960-C-T.
Identifiers: ClinVar variation 3770412 (VCV003770412.13).